The following is an entry in ClinVar:

ClinVar aggregate classification (germline): Uncertain significance. Review status: criteria provided, multiple submitters, no conflicts (2 of 4 stars). 2 submissions from 2 submitters: Uncertain significance (2). Last evaluated 2022-01-27.

Allele frequency attached by ClinVar (database versions not stated): gnomAD exomes below 0.00001 and 0.00001; TOPMed 0.00001; ESP Exome Variant Server 0.00008.

Submissions (2):

Ambry Genetics
Classification: Uncertain significance. Last evaluated: 2022-01-27. Review status: criteria provided, single submitter. Criteria: Ambry Variant Classification Scheme 2023. Collection method: clinical testing. Allele origin: germline.

GeneDx
Classification: Uncertain significance. Last evaluated: 2021-03-22. Review status: criteria provided, single submitter. Criteria: GeneDx Variant Classification Process June 2021. Collection method: clinical testing. Allele origin: germline. Affected: yes.
Comment: In silico analysis, which includes protein predictors and evolutionary conservation, supports a deleterious effect; Has not been previously published as pathogenic or benign to our knowledge

NM_014629.4(ARHGEF10):c.1423G>A (p.Asp475Asn)

Gene: ARHGEF10 (Rho guanine nucleotide exchange factor 10; plus strand). Cytogenetic location: 8p23.3.
Variant type: single nucleotide variant.
Coding change: c.1423G>A on transcript NM_014629.4 (MANE Select); coding-DNA position 1423, G replaced by A.
Protein change: p.Asp475Asn; replaces aspartic acid 475 with asparagine.
Molecular consequence: missense variant.
Genome position (GRCh38, 1-based): chr8:1,894,555, G>A. VCF-style: chr8-1894555-G-A. GRCh37 (hg19) VCF-style: chr8-1842721-G-A.
Other names: c.1309G>A, p.Asp437Asn (NM_001308152.2); c.1426G>A, p.Asp476Asn (NM_001308153.3); short protein forms D437N, D475N, D500N, D476N.
Identifiers: ClinVar variation 1308519 (VCV001308519.4), dbSNP rs372895762, ClinGen allele CA170600390.